The following is an entry in ClinVar:

ClinVar aggregate classification (germline): Uncertain significance (1 of 4 stars; one submission).

Conditions:
GRIA4-related disorder. Also called: GRIA4-related condition.

Submission:

PreventionGenetics, part of Exact Sciences
Classification: Uncertain significance for GRIA4-related condition. Last evaluated: 2023-08-18. Review status: criteria provided, single submitter. Criteria: ACMG Guidelines, 2015. Collection method: clinical testing. Allele origin: germline.
Comment: The GRIA4 c.2099A>G variant is predicted to result in the amino acid substitution p.Glu700Gly. To our knowledge, this variant has not been reported in the literature or in a large population database, indicating this variant is rare. At this time, the clinical significance of this variant is uncertain due to the absence of conclusive functional and genetic evidence.

NM_000829.4(GRIA4):c.2099A>G (p.Glu700Gly)

Gene: GRIA4 (glutamate ionotropic receptor AMPA type subunit 4; plus strand). Cytogenetic location: 11q22.3.
Variant type: single nucleotide variant.
Coding change: c.2099A>G on transcript NM_000829.4 (MANE Select); coding-DNA position 2099, A replaced by G.
Protein change: p.Glu700Gly; replaces glutamic acid 700 with glycine.
Molecular consequence: missense variant. On other transcripts: non-coding transcript variant (1).
Genome position (GRCh38, 1-based): chr11:105,933,774, A>G. VCF-style: chr11-105933774-A-G. GRCh37 (hg19) VCF-style: chr11-105804500-A-G.
Other names: c.2099A>G, p.Glu700Gly (NM_001077243.3); short protein forms E700G.
Identifiers: ClinVar variation 2631231 (VCV002631231.1), dbSNP rs2497965759, ClinGen allele CA382302212.